The following is an entry in ClinVar:

ClinVar aggregate classification (germline): Uncertain significance (1 of 4 stars; one submission).

gnomAD v4.1: 7 of 1,612,626 alleles (0.00043%); highest among the groups gnomAD compares: South Asian, 0.0033%; no homozygotes.

Submission:

Labcorp Genetics (formerly Invitae), Labcorp
Classification: Uncertain significance. Last evaluated: 2026-01-21. Review status: criteria provided, single submitter. Criteria: Invitae Variant Classification Sherloc (09022015). Collection method: clinical testing. Allele origin: germline.
Comment: This sequence change replaces threonine, which is neutral and polar, with isoleucine, which is neutral and non-polar, at codon 783 of the LAMA5 protein (p.Thr783Ile). The frequency data for this variant in the population databases is considered unreliable, as metrics indicate poor data quality at this position in the gnomAD database. This variant has not been reported in the literature in individuals affected with LAMA5-related conditions. An algorithm developed to predict the effect of missense changes on protein structure and function (PolyPhen-2) suggests that this variant is likely to be disruptive. In summary, the available evidence is currently insufficient to determine the role of this variant in disease. Therefore, it has been classified as a Variant of Uncertain Significance.

NM_005560.6(LAMA5):c.2348C>T (p.Thr783Ile)

Gene: LAMA5 (laminin subunit alpha 5; minus strand). Cytogenetic location: 20q13.33.
Variant type: single nucleotide variant.
Coding change: c.2348C>T on transcript NM_005560.6 (MANE Select); coding-DNA position 2348, C replaced by T.
Protein change: p.Thr783Ile; replaces threonine 783 with isoleucine.
Molecular consequence: missense variant.
Genome position (GRCh38, 1-based): chr20:62,335,245, G>A on the plus strand (C>T on the coding strand, the complement: LAMA5 is on the minus strand). VCF-style: chr20-62335245-G-A. GRCh37 (hg19) VCF-style: chr20-60910301-G-A.
Other names: short protein forms T783I.
Identifiers: ClinVar variation 4752122 (VCV004752122.1).